The following is an entry in ClinVar:

ClinVar aggregate classification (germline): Uncertain significance. Review status: criteria provided, single submitter (1 of 4 stars). 3 submissions from 3 submitters: Uncertain significance (1). 2 of the submissions do not count toward it. Last evaluated 2025-07-03.

Conditions:
PHF21A-related disorder. Also called: PHF21A-related condition.

Allele frequency attached by ClinVar (database versions not stated): gnomAD 0.00001.
gnomAD v4.1: 9 of 1,613,906 alleles (0.00056%); highest among the groups gnomAD compares: Non-Finnish European, 0.00076%; no homozygotes.

Submissions (3):

PreventionGenetics, part of Exact Sciences
Classification: Uncertain significance for PHF21A-related condition. Last evaluated: 2025-07-03. Review status: criteria provided, single submitter. Criteria: ACMG Guidelines, 2015. Collection method: clinical testing. Allele origin: germline.
Comment: The PHF21A c.1045A>G variant is predicted to result in the amino acid substitution p.Thr349Ala. To our knowledge, this variant has not been reported in the literature. This variant is reported in 0.0015% of alleles in individuals of European (Non-Finnish) descent in gnomAD. At this time, the clinical significance of this variant is uncertain due to the absence of conclusive functional and genetic evidence.

Clinical Genetics DNA and cytogenetics Diagnostics Lab, Erasmus MC, Erasmus Medical Center
Classification: Uncertain significance. Review status: no assertion criteria provided. Collection method: clinical testing. Allele origin: germline. Affected: yes. Study: VKGL Data-share Consensus. Not counted in ClinVar's aggregate classification.

Laboratory of Diagnostic Genome Analysis, Leiden University Medical Center (LUMC)
Classification: Uncertain significance. Review status: no assertion criteria provided. Collection method: clinical testing. Allele origin: germline. Affected: yes. Study: VKGL Data-share Consensus. Not counted in ClinVar's aggregate classification.

NM_001352027.3(PHF21A):c.1045A>G (p.Thr349Ala)

Gene: PHF21A (PHD finger protein 21A; minus strand). Cytogenetic location: 11p11.2.
Variant type: single nucleotide variant.
Coding change: c.1045A>G on transcript NM_001352027.3 (MANE Select); coding-DNA position 1045, A replaced by G.
Protein change: p.Thr349Ala; replaces threonine 349 with alanine.
Molecular consequence: missense variant. On other transcripts: non-coding transcript variant (2).
Genome position (GRCh38, 1-based): chr11:45,953,577, T>C on the plus strand (A>G on the coding strand, the complement: PHF21A is on the minus strand). VCF-style: chr11-45953577-T-C. GRCh37 (hg19) VCF-style: chr11-45975128-T-C.
Other names: c.1042A>G, p.Thr348Ala (NM_001101802.3, NM_001352030.3, NM_001352031.3 and 1 more transcripts); c.1045A>G, p.Thr349Ala (NM_001352025.3, NM_001352026.3, NM_001352028.1 and 2 more transcripts); c.1045A>G (NM_016621.3); short protein forms T348A, T349A.
Identifiers: ClinVar variation 1205964 (VCV001205964.3), dbSNP rs1465390375, ClinGen allele CA380201652.